The following is an entry in ClinVar:

NC_000005.10:g.112851094C>G

Variant type: single nucleotide variant.
Genome position: GRCh38 VCF-style: chr5-112851094-C-G. GRCh37 (hg19) VCF-style: chr5-112186791-C-G.
Identifiers: ClinVar variation 82687 (VCV000082687.3), dbSNP rs77512690, ClinGen allele CA250827.

ClinVar aggregate classification (germline): other (0 of 4 stars; one submission).

Conditions:
Familial colorectal cancer. Identifiers: MedGen CN280943, MONDO:0023113. Disease mechanism: loss of function.

Submission:

Systems Biology Platform Zhejiang California International NanoSystems Institute
Classification: other for Familial colorectal cancer. Review status: no assertion criteria provided. Collection method: not provided. Allele origin: unknown.
ClinVar note: Converted during submission from cancer to other.